The following is an entry in ClinVar:

ClinVar aggregate classification (germline): Uncertain significance (1 of 4 stars; one submission).

Submission:

Laboratory for Molecular Medicine, Mass General Brigham Personalized Medicine
Classification: Uncertain significance. Last evaluated: 2014-03-24. Review status: criteria provided, single submitter. Criteria: LMM Criteria. Collection method: clinical testing. Allele origin: germline. Observed: 2 variant alleles.
Comment: The Val1692Glu variant in MYH7 has not been previously reported in individuals w ith cardiomyopathy and data from large population studies is insufficient to ass ess its frequency. This variant is a deletion and insertion of 13 bases that doe s not alter the proteins reading frame, resulting in the substitution of glutami c acid (Glu) for valine (Val) at position 1692. While valine is not well conserv ed in evolution, the change to glutamic acid was predicted to be pathogenic usin g a computational tool clinically validated by our laboratory. This tool's patho genic prediction is estimated to be correct 94% of the time (Jordan 2011). In su mmary, additional studies are needed to fully assess the clinical significance o f the Val1692Glu variant.

NM_000257.4(MYH7):c.5067_5079delinsGGCCGTGGAAGAA (p.Val1692Glu)

Genes: MHRT (myosin heavy chain associated RNA transcript; plus strand), MYH7 (myosin heavy chain 7; minus strand), LOC126861897 (BRD4-independent group 4 enhancer GRCh37_chr14:23884455-23885654; plus strand). Cytogenetic location: 14q11.2.
Variant type: Indel.
Coding change: c.5067_5079delinsGGCCGTGGAAGAA on transcript NM_000257.4 (MANE Select); coding-DNA positions 5067 to 5079, TGCCGTGGTGGAG replaced by GGCCGTGGAAGAA.
Protein change: p.Val1692Glu; replaces valine 1692 with glutamic acid.
Molecular consequence: missense variant. On other transcripts: non-coding transcript variant (1).
Genome position (GRCh38, 1-based): chr14:23,415,707-23,415,719, CTCCACCACGGCA replaced by TTCTTCCACGGCC on the plus strand (TGCCGTGGTGGAG replaced by GGCCGTGGAAGAA on the coding strand, the reverse complement: MYH7 is on the minus strand). VCF-style: chr14-23415707-CTCCACCACGGCA-TTCTTCCACGGCC. GRCh37 (hg19) VCF-style: chr14-23884916-CTCCACCACGGCA-TTCTTCCACGGCC.
Other names: short protein forms V1692E.
Identifiers: ClinVar variation 179663 (VCV000179663.4), dbSNP rs727505033, ClinGen allele CA015637.